The following is an entry in ClinVar:

NM_201384.3(PLEC):c.10612T>A (p.Leu3538Met)

Gene: PLEC (plectin; minus strand). Cytogenetic location: 8q24.3.
Variant type: single nucleotide variant.
Coding change: c.10612T>A on transcript NM_201384.3 (MANE Select); coding-DNA position 10612, T replaced by A.
Protein change: p.Leu3538Met; replaces leucine 3538 with methionine.
Molecular consequence: missense variant.
Genome position (GRCh38, 1-based): chr8:143,919,209, A>T on the plus strand (T>A on the coding strand, the complement: PLEC is on the minus strand). VCF-style: chr8-143919209-A-T. GRCh37 (hg19) VCF-style: chr8-144993377-A-T.
Other names: c.10693T>A, p.Leu3565Met (NM_000445.5); c.10570T>A, p.Leu3524Met (NM_201378.4); c.10546T>A, p.Leu3516Met (NM_201379.3); c.11023T>A, p.Leu3675Met (NM_201380.4); c.10516T>A, p.Leu3506Met (NM_201381.3); c.10612T>A, p.Leu3538Met (NM_201382.4); c.10624T>A, p.Leu3542Met (NM_201383.3); short protein forms L3506M, L3516M, L3524M, L3538M, L3542M, L3565M, L3675M.
Identifiers: ClinVar variation 1022954 (VCV001022954.7), dbSNP rs6992333, ClinGen allele CA4924589.
Genomic context (GRCh38, chr8:143,919,209, plus strand): 5'-ACACCTGCGTGGTCTCCACCACCTCAGCCTTCTCCGCCCCTTTCAGTGGCAGAAGGCGCA[A>T]GCCCGTCTCGGGGTCCTCCACGCACCGCTCCAGCAGCTGCCTGTACGTGAGGTTCTCATG-3'
Protein context (NP_958786.1, residues 3528-3548): ERCVEDPETG[Leu3538Met]RLLPLKGAEK

ClinVar aggregate classification (germline): Uncertain significance (1 of 4 stars; one submission).

Conditions:
Epidermolysis bullosa simplex with nail dystrophy (EBS5D). Identifiers: MedGen C4225309, MONDO:0014661, OMIM 616487.
Epidermolysis bullosa simplex 5B, with muscular dystrophy (EBS5B). Also called: EPIDERMOLYSIS BULLOSA SIMPLEX AND LIMB-GIRDLE MUSCULAR DYSTROPHY; Epidermolysis bullosa simplex with muscular dystrophy. Identifiers: Orphanet 257, MedGen C2931072, MONDO:0009181, OMIM 226670.
Epidermolysis bullosa simplex, Ogna type (EBS5A). Also called: Pidermolysis bullosa simplex 5A, Ogna type; EPIDERMOLYSIS BULLOSA SIMPLEX 5A, OGNA TYPE. Identifiers: Orphanet 79401, MedGen C0432317, MONDO:0007555, OMIM 131950.
Epidermolysis bullosa simplex 5C, with pyloric atresia (EBS5C). Also called: PLEC-Related Epidermolysis Bullosa with Pyloric Atresia; Epidermolysis bullosa simplex with pyloric atresia; PLEC1-Related Epidermolysis Bullosa with Pyloric Atresia. Identifiers: Orphanet 158684, MedGen C2677349, MONDO:0012807, OMIM 612138.
Autosomal recessive limb-girdle muscular dystrophy type 2Q (LGMDR17). Also called: MUSCULAR DYSTROPHY, LIMB-GIRDLE, AUTOSOMAL RECESSIVE 17. Identifiers: Orphanet 254361, MedGen C3150989, MONDO:0013390, OMIM 613723.

Submission:

Labcorp Genetics (formerly Invitae), Labcorp
Classification: Uncertain significance for Autosomal recessive limb-girdle muscular dystrophy type 2Q; Epidermolysis bullosa simplex, Ogna type; Epidermolysis bullosa simplex with nail dystrophy; Epidermolysis bullosa simplex 5C, with pyloric atresia; Epidermolysis bullosa simplex 5B, with muscular dystrophy. Last evaluated: 2025-09-10. Review status: criteria provided, single submitter. Criteria: Invitae Variant Classification Sherloc (09022015). Collection method: clinical testing. Allele origin: germline.
Comment: This sequence change replaces leucine, which is neutral and non-polar, with methionine, which is neutral and non-polar, at codon 3565 of the PLEC protein (p.Leu3565Met). This variant is present in population databases (rs6992333, gnomAD 0.03%). This variant has not been reported in the literature in individuals affected with PLEC-related conditions. ClinVar contains an entry for this variant (Variation ID: 1022954). Invitae Evidence Modeling of protein sequence and biophysical properties (such as structural, functional, and spatial information, amino acid conservation, physicochemical variation, residue mobility, and thermodynamic stability) indicates that this missense variant is not expected to disrupt PLEC protein function with a negative predictive value of 80%. In summary, the available evidence is currently insufficient to determine the role of this variant in disease. Therefore, it has been classified as a Variant of Uncertain Significance.